The following is an entry in ClinVar:

NM_001134363.3(RBM20):c.860C>T (p.Ser287Phe)

Gene: RBM20 (RNA binding motif protein 20; plus strand). Cytogenetic location: 10q25.2.
Variant type: single nucleotide variant.
Coding change: c.860C>T on transcript NM_001134363.3 (MANE Select); coding-DNA position 860, C replaced by T.
Protein change: p.Ser287Phe; replaces serine 287 with phenylalanine.
Molecular consequence: missense variant.
Genome position (GRCh38, 1-based): chr10:110,781,469, C>T. VCF-style: chr10-110781469-C-T. GRCh37 (hg19) VCF-style: chr10-112541227-C-T.
Other names: short protein forms S287F.
Identifiers: ClinVar variation 1045099 (VCV001045099.8), dbSNP rs1844346532, ClinGen allele CA378383954.

ClinVar aggregate classification (germline): Uncertain significance (1 of 4 stars; one submission).

Conditions:
Dilated cardiomyopathy 1DD (CMD1DD). Identifiers: Orphanet 154, MedGen C2750995, MONDO:0013168, OMIM 613172.

Allele frequency attached by ClinVar (database versions not stated): gnomAD exomes below 0.00001.
gnomAD v4.1: 1 of 1,551,558 alleles (0.000064%); highest among the groups gnomAD compares: Non-Finnish European, 0.000087%; no homozygotes.

Submission:

Labcorp Genetics (formerly Invitae), Labcorp
Classification: Uncertain significance for Dilated cardiomyopathy 1DD. Last evaluated: 2020-06-19. Review status: criteria provided, single submitter. Criteria: Invitae Variant Classification Sherloc (09022015). Collection method: clinical testing. Allele origin: germline.
Comment: In summary, the available evidence is currently insufficient to determine the role of this variant in disease. Therefore, it has been classified as a Variant of Uncertain Significance. Algorithms developed to predict the effect of missense changes on protein structure and function are either unavailable or do not agree on the potential impact of this missense change (SIFT: "Not Available"; PolyPhen-2: "Possibly Damaging"; Align-GVGD: "Class C0"). This variant has not been reported in the literature in individuals with RBM20-related conditions. This variant is not present in population databases (ExAC no frequency). This sequence change replaces serine with phenylalanine at codon 287 of the RBM20 protein (p.Ser287Phe). The serine residue is weakly conserved and there is a large physicochemical difference between serine and phenylalanine.